The following is an entry in ClinVar:

ClinVar aggregate classification (germline): Conflicting classifications of pathogenicity. Review status: criteria provided, conflicting classifications (1 of 4 stars). 3 submissions from 3 submitters: Uncertain significance (1); Likely benign (1). 1 of the submissions does not count toward it. Last evaluated 2026-01-29.

Conditions:
CEP135-related disorder. Also called: CEP135-related condition.

gnomAD v4.1: 86 of 1,610,378 alleles (0.0053%); highest among the groups gnomAD compares: Admixed American, 0.059%; 1 homozygote.

Submissions (3):

Labcorp Genetics (formerly Invitae), Labcorp
Classification: Likely benign. Last evaluated: 2026-01-29. Review status: criteria provided, single submitter. Criteria: Invitae Variant Classification Sherloc (09022015). Collection method: clinical testing. Allele origin: germline.

Genetic Services Laboratory, University of Chicago
Classification: Uncertain significance. Last evaluated: 2017-07-12. Review status: criteria provided, single submitter. Criteria: ACMG Guidelines, 2015. Collection method: clinical testing. Allele origin: germline. Affected: no.

PreventionGenetics, part of Exact Sciences
Classification: Likely benign for CEP135-related condition. Last evaluated: 2023-10-12. Review status: no assertion criteria provided. Collection method: clinical testing. Allele origin: germline. Not counted in ClinVar's aggregate classification.
Comment: This variant is classified as likely benign based on ACMG/AMP sequence variant interpretation guidelines (Richards et al. 2015 PMID: 25741868, with internal and published modifications).

NM_025009.5(CEP135):c.369A>G (p.Gln123=)

Gene: CEP135 (centrosomal protein 135; plus strand). Cytogenetic location: 4q12.
Variant type: single nucleotide variant.
Coding change: c.369A>G on transcript NM_025009.5 (MANE Select); coding-DNA position 369, A replaced by G.
Protein change: p.Gln123=; no amino-acid change (glutamine 123 retained).
Molecular consequence: synonymous variant.
Genome position (GRCh38, 1-based): chr4:55,954,280, A>G. VCF-style: chr4-55954280-A-G. GRCh37 (hg19) VCF-style: chr4-56820446-A-G.
Identifiers: ClinVar variation 1336116 (VCV001336116.15), dbSNP rs147451921, ClinGen allele CA2927530.
Genomic context (GRCh38, chr4:55,954,280, plus strand): 5'-GAAAACTTCATTGAAGAAATGTGCACGTGAAACAGCTGATCTGAAATTTCTGAATAACCA[A>G]TATGCTCATAAACTCAAACTGTTGGAGAAAGAGAGCAAAGCTAAGAATGAAAGAATTCAA-3'
Protein context (NP_079285.2, residues 113-133): ETADLKFLNN[Gln123=]YAHKLKLLEK